The following is an entry in ClinVar:

ClinVar aggregate classification (germline): Uncertain significance (1 of 4 stars; one submission).

Conditions:
X-linked agammaglobulinemia with growth hormone deficiency (IGHD3). Also called: AGAMMAGLOBULINEMIA AND ISOLATED GROWTH HORMONE DEFICIENCY, X-LINKED; FLEISHER SYNDROME; ISOLATED GROWTH HORMONE DEFICIENCY, TYPE III, WITH AGAMMAGLOBULINEMIA; Isolated growth hormone deficiency type 3; Growth hormone deficiency with hypogammaglobulinemia; HYPOGAMMAGLOBULINEMIA AND ISOLATED GROWTH HORMONE DEFICIENCY, X-LINKED. Identifiers: Orphanet 231692, Orphanet 631, MedGen C0472813, MONDO:0010615, OMIM 307200.

gnomAD v4.1: 3 of 1,208,965 alleles (0.00025%); highest among the groups gnomAD compares: Non-Finnish European, 0.00022%; no homozygotes.

Submission:

Labcorp Genetics (formerly Invitae), Labcorp
Classification: Uncertain significance for X-linked agammaglobulinemia with growth hormone deficiency. Last evaluated: 2024-12-10. Review status: criteria provided, single submitter. Criteria: Invitae Variant Classification Sherloc (09022015). Collection method: clinical testing. Allele origin: germline.
Comment: This sequence change replaces glycine, which is neutral and non-polar, with serine, which is neutral and polar, at codon 556 of the BTK protein (p.Gly556Ser). This variant is not present in population databases (gnomAD no frequency). This variant has not been reported in the literature in individuals affected with BTK-related conditions. Invitae Evidence Modeling of protein sequence and biophysical properties (such as structural, functional, and spatial information, amino acid conservation, physicochemical variation, residue mobility, and thermodynamic stability) indicates that this missense variant is expected to disrupt BTK protein function with a positive predictive value of 95%. In summary, the available evidence is currently insufficient to determine the role of this variant in disease. Therefore, it has been classified as a Variant of Uncertain Significance.

NM_000061.3(BTK):c.1666G>A (p.Gly556Ser)

Gene: BTK (Bruton tyrosine kinase; minus strand). Cytogenetic location: Xq22.1.
Variant type: single nucleotide variant.
Coding change: c.1666G>A on transcript NM_000061.3 (MANE Select); coding-DNA position 1666, G replaced by A.
Protein change: p.Gly556Ser; replaces glycine 556 with serine.
Molecular consequence: missense variant.
Genome position (GRCh38, 1-based): chrX:101,353,954, C>T on the plus strand (G>A on the coding strand, the complement: BTK is on the minus strand). VCF-style: chrX-101353954-C-T. GRCh37 (hg19) VCF-style: chrX-100608942-C-T.
Other names: c.1768G>A, p.Gly590Ser (NM_001287344.2); c.1138G>A, p.Gly380Ser (NM_001287345.2); short protein forms G380S, G556S, G590S.
Identifiers: ClinVar variation 3608856 (VCV003608856.2).